The following is an entry in ClinVar:

NM_004006.3(DMD):c.1912C>T (p.Gln638Ter)

Gene: DMD (dystrophin; minus strand). Cytogenetic location: Xp21.1.
Variant type: single nucleotide variant.
Coding change: c.1912C>T on transcript NM_004006.3 (MANE Select); coding-DNA position 1912, C replaced by T.
Protein change: p.Gln638Ter; replaces glutamine 638 with a stop codon.
Molecular consequence: nonsense.
Genome position (GRCh38, 1-based): chrX:32,565,782, G>A on the plus strand (C>T on the coding strand, the complement: DMD is on the minus strand). VCF-style: chrX-32565782-G-A. GRCh37 (hg19) VCF-style: chrX-32583899-G-A.
Other names: c.1888C>T, p.Gln630Ter (NM_000109.4); c.1900C>T, p.Gln634Ter (NM_004009.3); c.1543C>T, p.Gln515Ter (NM_004010.3); short protein forms Q638*, Q634*, Q515*, Q630*.
Identifiers: ClinVar variation 194636 (VCV000194636.8), dbSNP rs794727170, ClinGen allele CA275035.

ClinVar aggregate classification (germline): Pathogenic. Review status: criteria provided, multiple submitters, no conflicts (2 of 4 stars). 2 submissions from 2 submitters: Pathogenic (2). Last evaluated 2025-12-29.

Conditions:
Duchenne muscular dystrophy (DMD). Also called: MUSCULAR DYSTROPHY, PSEUDOHYPERTROPHIC PROGRESSIVE, DUCHENNE TYPE; Duchenne Muscular Dystrophy (DMD). Identifiers: Orphanet 98896, MedGen C0013264, MONDO:0010679, OMIM 310200.

Submissions (2):

3billion
Classification: Pathogenic for Duchenne muscular dystrophy. Last evaluated: 2025-12-29. Review status: criteria provided, single submitter. Criteria: ACMG Guidelines, 2015. Collection method: clinical testing. Allele origin: germline. Affected: yes.
Comment: The variant is not observed in the gnomAD v4.1.0 dataset. Predicted Consequence/Location: Stop-gained (nonsense): predicted to result in a loss or disruption of normal protein function through nonsense-mediated decay (NMD) or protein truncation. Multiple pathogenic variants are reported downstream of the variant. The variant has been reported to be associated with DMD-related disorder (ClinVar ID: VCV000194636 /PMID: 27122458). Therefore, this variant is classified as Pathogenic according to the recommendation of ACMG/AMP guideline.

Eurofins Ntd Llc (ga)
Classification: Pathogenic. Last evaluated: 2015-02-24. Review status: criteria provided, single submitter. Criteria: EGL Classification Definitions 2015. Collection method: clinical testing. Allele origin: germline.

Literature cited by the submitters: PubMed 27122458 (cited by 3billion).